The following is an entry in ClinVar:

NM_001267550.2(TTN):c.2086G>T (p.Gly696Ter)

Gene: TTN (titin; minus strand). Cytogenetic location: 2q31.2.
Variant type: single nucleotide variant.
Coding change: c.2086G>T on transcript NM_001267550.2 (MANE Select); coding-DNA position 2086, G replaced by T.
Protein change: p.Gly696Ter; replaces glycine 696 with a stop codon.
Molecular consequence: nonsense.
Genome position (GRCh38, 1-based): chr2:178,786,132, C>A on the plus strand (G>T on the coding strand, the complement: TTN is on the minus strand). VCF-style: chr2-178786132-C-A. GRCh37 (hg19) VCF-style: chr2-179650859-C-A.
Other names: c.2086G>T, p.Gly696Ter (NM_133378.4, NM_133379.5, NM_001256850.1); c.1948G>T, p.Gly650Ter (NM_133432.3, NM_133437.4, NM_003319.4); short protein forms G650*, G696*.
Identifiers: ClinVar variation 2129623 (VCV002129623.4), dbSNP rs2533566243, ClinGen allele CA349502216.

ClinVar aggregate classification (germline): Likely pathogenic (1 of 4 stars; one submission).

Conditions:
Dilated cardiomyopathy 1G (CMD1G). Identifiers: Orphanet 154, MedGen C1858763, MONDO:0011400, OMIM 604145.
Autosomal recessive limb-girdle muscular dystrophy type 2J (LGMDR10). Also called: Limb-girdle muscular dystrophy, type 2J; MUSCULAR DYSTROPHY, LIMB-GIRDLE, AUTOSOMAL RECESSIVE 10. Identifiers: Orphanet 140922, MedGen C1837342, MONDO:0012127, OMIM 608807.

Submission:

Labcorp Genetics (formerly Invitae), Labcorp
Classification: Likely pathogenic for Dilated cardiomyopathy 1G; Autosomal recessive limb-girdle muscular dystrophy type 2J. Last evaluated: 2024-10-18. Review status: criteria provided, single submitter. Criteria: Invitae Variant Classification Sherloc (09022015). Collection method: clinical testing. Allele origin: germline.
Comment: This sequence change creates a premature translational stop signal (p.Gly696*) in the TTN gene. While this is not anticipated to result in nonsense mediated decay, it is expected to create a truncated TTN protein. This variant is not present in population databases (gnomAD no frequency). This variant has not been reported in the literature in individuals affected with TTN-related conditions. ClinVar contains an entry for this variant (Variation ID: 2129623). This variant is located in the Z band of TTN (PMID: 25589632). Truncating variants in this region have been reported in individuals affected with autosomal recessive centronuclear myopathy (PMID: 33449170, internal data). Truncating variants in this region have also been identified in individuals affected with autosomal dominant dilated cardiomyopathy and/or cardio-related conditions (PMID: 27869827, 32964742, internal data). In summary, the currently available evidence indicates that the variant is pathogenic, but additional data are needed to prove that conclusively. Therefore, this variant has been classified as Likely Pathogenic.

Literature cited by the submitters: PubMed 25589632; PubMed 33449170; PubMed 27869827; PubMed 32964742.